The following is an entry in ClinVar:

ClinVar aggregate classification (germline): Uncertain significance (1 of 4 stars; one submission).

Conditions:
Duchenne muscular dystrophy (DMD). Also called: Duchenne Muscular Dystrophy (DMD); MUSCULAR DYSTROPHY, PSEUDOHYPERTROPHIC PROGRESSIVE, DUCHENNE TYPE. Identifiers: Orphanet 98896, MedGen C0013264, MONDO:0010679, OMIM 310200.

Submission:

Labcorp Genetics (formerly Invitae), Labcorp
Classification: Uncertain significance for Duchenne muscular dystrophy. Last evaluated: 2024-12-24. Review status: criteria provided, single submitter. Criteria: Invitae Variant Classification Sherloc (09022015). Collection method: clinical testing. Allele origin: germline.
Comment: This sequence change replaces threonine, which is neutral and polar, with alanine, which is neutral and non-polar, at codon 3361 of the DMD protein (p.Thr3361Ala). This variant is not present in population databases (gnomAD no frequency). This variant has not been reported in the literature in individuals affected with DMD-related conditions. Invitae Evidence Modeling of protein sequence and biophysical properties (such as structural, functional, and spatial information, amino acid conservation, physicochemical variation, residue mobility, and thermodynamic stability) indicates that this missense variant is not expected to disrupt DMD protein function with a negative predictive value of 95%. In summary, the available evidence is currently insufficient to determine the role of this variant in disease. Therefore, it has been classified as a Variant of Uncertain Significance.

NM_004006.3(DMD):c.10081A>G (p.Thr3361Ala)

Gene: DMD (dystrophin; minus strand). Cytogenetic location: Xp21.2.
Variant type: single nucleotide variant.
Coding change: c.10081A>G on transcript NM_004006.3 (MANE Select); coding-DNA position 10081, A replaced by G.
Protein change: p.Thr3361Ala; replaces threonine 3361 with alanine.
Molecular consequence: missense variant.
Genome position (GRCh38, 1-based): chrX:31,180,375, T>C on the plus strand (A>G on the coding strand, the complement: DMD is on the minus strand). VCF-style: chrX-31180375-T-C. GRCh37 (hg19) VCF-style: chrX-31198492-T-C.
Other names: c.10057A>G, p.Thr3353Ala (NM_000109.4); c.10069A>G, p.Thr3357Ala (NM_004009.3); c.9712A>G, p.Thr3238Ala (NM_004010.3); c.6058A>G, p.Thr2020Ala (NM_004011.4); c.6049A>G, p.Thr2017Ala (NM_004012.4); c.2701A>G, p.Thr901Ala (NM_004013.3, NM_004020.4, NM_004021.3 and 2 more transcripts); c.1894A>G, p.Thr632Ala (NM_004014.3); c.877A>G, p.Thr293Ala (NM_004015.3, NM_004016.3, NM_004017.3 and 2 more transcripts); short protein forms T2017A, T3357A, T901A, T293A, T3361A, T2020A, T3238A, T3353A.
Identifiers: ClinVar variation 3716810 (VCV003716810.2).